The following is an entry in ClinVar:

ClinVar aggregate classification (germline): Likely benign. Review status: criteria provided, multiple submitters, no conflicts (2 of 4 stars). 3 submissions from 3 submitters: Likely benign (2). 1 of the submissions does not count toward it. Last evaluated 2025-11-03.

Conditions:
MYO18B-related disorder. Also called: MYO18B-related condition.

Allele frequency attached by ClinVar (database versions not stated): TOPMed 0.00008; gnomAD 0.00012 and 0.00015; 1000 Genomes Project 30x 0.00016; 1000 Genomes Project 0.00020; gnomAD exomes 0.00026 and 0.00027; ESP Exome Variant Server 0.00032; ExAC 0.00052.
gnomAD v4.1: 406 of 1,596,584 alleles (0.025%); highest among the groups gnomAD compares: South Asian, 0.095%; 2 homozygotes.

Submissions (3):

Labcorp Genetics (formerly Invitae), Labcorp
Classification: Likely benign. Last evaluated: 2025-11-03. Review status: criteria provided, single submitter. Criteria: Invitae Variant Classification Sherloc (09022015). Collection method: clinical testing. Allele origin: germline.

Blueprint Genetics
Classification: Likely benign. Last evaluated: 2024-11-26. Review status: criteria provided, single submitter. Criteria: ACMG Guidelines, 2015. Collection method: clinical testing. Allele origin: germline.

PreventionGenetics, part of Exact Sciences
Classification: Likely benign for MYO18B-related condition. Last evaluated: 2019-06-26. Review status: no assertion criteria provided. Collection method: clinical testing. Allele origin: germline. Not counted in ClinVar's aggregate classification.
Comment: This variant is classified as likely benign based on ACMG/AMP sequence variant interpretation guidelines (Richards et al. 2015 PMID: 25741868, with internal and published modifications).

NM_032608.7(MYO18B):c.5469T>C (p.Asp1823=)

Gene: MYO18B (myosin XVIIIB; plus strand). Cytogenetic location: 22q12.1.
Variant type: single nucleotide variant.
Coding change: c.5469T>C on transcript NM_032608.7 (MANE Select); coding-DNA position 5469, T replaced by C.
Protein change: p.Asp1823=; no amino-acid change (aspartic acid 1823 retained).
Molecular consequence: synonymous variant.
Genome position (GRCh38, 1-based): chr22:25,921,361, T>C. VCF-style: chr22-25921361-T-C. GRCh37 (hg19) VCF-style: chr22-26317328-T-C.
Other names: c.5472T>C, p.Asp1824= (NM_001318245.2).
Identifiers: ClinVar variation 746042 (VCV000746042.13), dbSNP rs369223459, ClinGen allele CA10161167.